The following is an entry in ClinVar:

NM_018834.6(MATR3):c.440G>A (p.Arg147Lys)

Gene: MATR3 (matrin 3; plus strand). Cytogenetic location: 5q31.2.
Variant type: single nucleotide variant.
Coding change: c.440G>A on transcript NM_018834.6 (MANE Select); coding-DNA position 440, G replaced by A.
Protein change: p.Arg147Lys; replaces arginine 147 with lysine.
Molecular consequence: missense variant. On other transcripts: intron variant (11).
Genome position (GRCh38, 1-based): chr5:139,307,855, G>A. VCF-style: chr5-139307855-G-A. GRCh37 (hg19) VCF-style: chr5-138643544-G-A.
Other names: c.440G>A, p.Arg147Lys (NM_001194954.2, NM_001194955.2, NM_001400441.1 and 16 more transcripts); c.52-6820G>A (NM_001400459.1); c.-102-6820G>A (NM_001400463.1, NM_001400460.1, NM_001282278.2 and 3 more transcripts); c.-40-7842G>A (NM_001400462.1, NM_001400467.1); c.13-6820G>A (NM_001400461.1); c.49-6820G>A (NM_001194956.2); short protein forms R147K.
Identifiers: ClinVar variation 3721050 (VCV003721050.2).

ClinVar aggregate classification (germline): Uncertain significance (1 of 4 stars; one submission).

Conditions:
Amyotrophic lateral sclerosis type 21. Also called: MYOPATHY, DISTAL, 2; VOCAL CORD AND PHARYNGEAL DYSFUNCTION WITH DISTAL MYOPATHY. Identifiers: Orphanet 600, Orphanet 803, MedGen C3807521, MONDO:0011632, OMIM 606070.

Submission:

Labcorp Genetics (formerly Invitae), Labcorp
Classification: Uncertain significance for Amyotrophic lateral sclerosis type 21. Last evaluated: 2024-06-21. Review status: criteria provided, single submitter. Criteria: Invitae Variant Classification Sherloc (09022015). Collection method: clinical testing. Allele origin: germline.
Comment: This sequence change replaces arginine, which is basic and polar, with lysine, which is basic and polar, at codon 147 of the MATR3 protein (p.Arg147Lys). This variant is present in population databases (rs763170646, gnomAD 0.04%). This variant has not been reported in the literature in individuals affected with MATR3-related conditions. Advanced modeling of protein sequence and biophysical properties (such as structural, functional, and spatial information, amino acid conservation, physicochemical variation, residue mobility, and thermodynamic stability) performed at Invitae indicates that this missense variant is not expected to disrupt MATR3 protein function with a negative predictive value of 80%. In summary, the available evidence is currently insufficient to determine the role of this variant in disease. Therefore, it has been classified as a Variant of Uncertain Significance.